The following is an entry in ClinVar:

NM_014855.3(AP5Z1):c.774G>A (p.Pro258=)

Gene: AP5Z1 (adaptor related protein complex 5 subunit zeta 1; plus strand). Cytogenetic location: 7p22.1.
Variant type: single nucleotide variant.
Coding change: c.774G>A on transcript NM_014855.3 (MANE Select); coding-DNA position 774, G replaced by A.
Protein change: p.Pro258=; no amino-acid change (proline 258 retained).
Molecular consequence: synonymous variant. On other transcripts: non-coding transcript variant (1).
Genome position (GRCh38, 1-based): chr7:4,784,355, G>A. VCF-style: chr7-4784355-G-A. GRCh37 (hg19) VCF-style: chr7-4823986-G-A.
Other names: p.Pro258=; c.306G>A, p.Pro102= (NM_001364858.1).
Identifiers: ClinVar variation 695704 (VCV000695704.14), dbSNP rs373689894, ClinGen allele CA4137355.
Genomic context (GRCh38, chr7:4,784,355, plus strand): 5'-GAACGTGCAGGCCTTCTCTATGCTGCGGGCGTGGCTGCTGCACAGCGGCCCCGAGGGCCC[G>A]GGCACCCTGGACACAGGTGTGCGGGGTGGGGGGATGACGTCAGACAGGGGTGGGAGGTGG-3'
Protein context (NP_055670.1, residues 248-268): AWLLHSGPEG[Pro258=]GTLDTDDRSE

ClinVar aggregate classification (germline): Benign/Likely benign. Review status: criteria provided, multiple submitters, no conflicts (2 of 4 stars). 3 submissions from 3 submitters: Benign (2); Likely benign (1). Last evaluated 2025-11-15.

Conditions:
Hereditary spastic paraplegia 48. Also called: SPASTIC PARAPLEGIA 48, AUTOSOMAL RECESSIVE; Spastic paraplegia 48. Identifiers: Orphanet 306511, MedGen C3150901, MONDO:0013342, OMIM 613647.

Allele frequency attached by ClinVar (database versions not stated): gnomAD exomes 0.00026 and 0.00067; ExAC 0.00110; 1000 Genomes Project 0.00180; 1000 Genomes Project 30x 0.00187; ESP Exome Variant Server 0.00217; gnomAD 0.00267 and 0.00288; TOPMed 0.00291.
gnomAD v4.1: 793 of 1,596,796 alleles (0.05%); highest among the groups gnomAD compares: African/African-American, 0.94%; 4 homozygotes.

Submissions (3):

Labcorp Genetics (formerly Invitae), Labcorp
Classification: Benign for Hereditary spastic paraplegia 48. Last evaluated: 2025-11-15. Review status: criteria provided, single submitter. Criteria: Invitae Variant Classification Sherloc (09022015). Collection method: clinical testing. Allele origin: germline.

Mayo Clinic Laboratories, Mayo Clinic
Classification: Benign. Last evaluated: 2024-10-31. Review status: criteria provided, single submitter. Criteria: ACMG Guidelines, 2015. Collection method: clinical testing. Allele origin: germline. Observed: 1 variant allele.
Comment: BA1, BP4, BP7

Blueprint Genetics
Classification: Likely benign. Last evaluated: 2024-10-07. Review status: criteria provided, single submitter. Criteria: ACMG Guidelines, 2015. Collection method: clinical testing. Allele origin: germline.